The following is an entry in ClinVar:

ClinVar aggregate classification (germline): Likely pathogenic (1 of 4 stars; one submission).

Conditions:
KMT2B-related disorder. Also called: KMT2B-related disorders; KMT2B-related condition. Identifiers: MedGen CN381338.

Submission:

Illumina Laboratory Services, Illumina
Classification: Likely pathogenic for KMT2B-related disorders. Last evaluated: 2021-08-16. Review status: criteria provided, single submitter. Criteria: ICSLVariantClassificationCriteria RUGD 01 April 2020. Collection method: clinical testing. Allele origin: unknown.
Comment: The KMT2B c.2299C>T (p.Gln767Ter) variant is a stop-gained variant that is predicted to result in a premature termination. A literature search was performed for the gene, cDNA change, and amino acid change. No publications were found based on this search. This variant is not found in version 2.1.1 or version 3.1.1 of the Genome Aggregation Database despite its location in a region of good sequencing coverage, which suggests the variant is rare. Based on the predicted truncating nature of the variant and its rarity, the p.Gln767Ter variant is classified as likely pathogenic for KMT2B-related disorders.

NM_014727.3(KMT2B):c.2299C>T (p.Gln767Ter)

Gene: KMT2B (lysine methyltransferase 2B; plus strand). Cytogenetic location: 19q13.12.
Variant type: single nucleotide variant.
Coding change: c.2299C>T on transcript NM_014727.3 (MANE Select); coding-DNA position 2299, C replaced by T.
Protein change: p.Gln767Ter; replaces glutamine 767 with a stop codon.
Molecular consequence: nonsense.
Genome position (GRCh38, 1-based): chr19:35,721,646, C>T. VCF-style: chr19-35721646-C-T. GRCh37 (hg19) VCF-style: chr19-36212548-C-T.
Other names: short protein forms Q767*.
Identifiers: ClinVar variation 1328156 (VCV001328156.4), dbSNP rs2146440365, ClinGen allele CA405397480.